The following is an entry in ClinVar:

ClinVar aggregate classification (germline): Uncertain significance (1 of 4 stars; one submission).

Conditions:
Anauxetic dysplasia. Identifiers: Orphanet 93347, MedGen C1846796, MONDO:0011773.

gnomAD v4.1: 1 of 692,894 alleles (0.00014%); highest among the groups gnomAD compares: Non-Finnish European, 0.00026%; no homozygotes.

Submission:

Labcorp Genetics (formerly Invitae), Labcorp
Classification: Uncertain significance for Anauxetic dysplasia. Last evaluated: 2021-12-12. Review status: criteria provided, single submitter. Criteria: Invitae Variant Classification Sherloc (09022015). Collection method: clinical testing. Allele origin: germline.
Comment: This variant occurs in the RMRP gene, which encodes an RNA molecule that does not result in a protein product. This variant is not present in population databases (gnomAD no frequency). This variant has not been reported in the literature in individuals affected with RMRP-related conditions. Experimental studies and prediction algorithms are not available or were not evaluated, and the functional significance of this variant is currently unknown. In summary, the available evidence is currently insufficient to determine the role of this variant in disease. Therefore, it has been classified as a Variant of Uncertain Significance.

NC_000009.12:g.35657821C>T

Gene: RMRP (RNA component of mitochondrial RNA processing endoribonuclease; minus strand). Cytogenetic location: 9p13.3.
Variant type: single nucleotide variant.
Genome position: GRCh38 VCF-style: chr9-35657821-C-T. GRCh37 (hg19) VCF-style: chr9-35657818-C-T.
Identifiers: ClinVar variation 1364834 (VCV001364834.3), dbSNP rs1384419955, ClinGen allele CA464450578.